The following is an entry in ClinVar:

NM_000059.4(BRCA2):c.3671G>T (p.Gly1224Val)

Gene: BRCA2 (BRCA2 DNA repair associated; plus strand). Cytogenetic location: 13q13.1.
Variant type: single nucleotide variant.
Coding change: c.3671G>T on transcript NM_000059.4 (MANE Select); coding-DNA position 3671, G replaced by T.
Protein change: p.Gly1224Val; replaces glycine 1224 with valine.
Molecular consequence: missense variant.
Genome position (GRCh38, 1-based): chr13:32,338,026, G>T. VCF-style: chr13-32338026-G-T. GRCh37 (hg19) VCF-style: chr13-32912163-G-T.
Other names: short protein forms G1224V.
Identifiers: ClinVar variation 142720 (VCV000142720.19), dbSNP rs587782670, ClinGen allele CA018515.

ClinVar aggregate classification (germline): Conflicting classifications of pathogenicity. Review status: criteria provided, conflicting classifications (1 of 4 stars). 5 submissions from 5 submitters: Uncertain significance (4); Likely benign (1). Last evaluated 2025-08-01.

Conditions:
Hereditary cancer-predisposing syndrome. Also called: Hereditary Cancer Syndrome; Neoplastic Syndromes, Hereditary; Hereditary neoplastic syndrome; Tumor predisposition. Identifiers: Orphanet 140162, MedGen C0027672, MeSH D009386, MONDO:0015356.
Hereditary breast ovarian cancer syndrome. Also called: BRCA1- and BRCA2-Associated Hereditary Breast and Ovarian Cancer; Hereditary breast and ovarian cancer syndrome; Hereditary breast and/or ovarian cancer syndrome; Breast and ovarian cancer; Hereditary breast and ovarian cancer; Hereditary breast and ovarian cancer syndrome (HBOC). Identifiers: Orphanet 145, MedGen C0677776, MeSH D061325, MONDO:0003582. Disease mechanism: loss of function.

Allele frequency attached by ClinVar (database versions not stated): TOPMed below 0.00001; gnomAD 0.00001.
gnomAD v4.1: 1 of 1,612,028 alleles (0.000062%); highest among the groups gnomAD compares: Non-Finnish European, 0.000085%; no homozygotes.

Submissions (5):

Ambry Genetics
Classification: Uncertain significance for Hereditary cancer-predisposing syndrome. Last evaluated: 2025-08-01. Review status: criteria provided, single submitter. Criteria: Ambry Variant Classification Scheme 2023. Collection method: clinical testing. Allele origin: germline.
Comment: The p.G1224V variant (also known as c.3671G>T), located in coding exon 10 of the BRCA2 gene, results from a G to T substitution at nucleotide position 3671. The glycine at codon 1224 is replaced by valine, an amino acid with dissimilar properties. This alteration was reported as benign based on sensitivity to PARP inhibitors in a high-throughput in vitro assay performed in a human colorectal adenoma cell line (Ikegami M et al. Nat Commun. 2020 May;11(1):2573). This amino acid position is highly conserved in available vertebrate species. In addition, this alteration is predicted to be deleterious by in silico analysis. Based on the available evidence, the clinical significance of this variant remains unclear.

Labcorp Genetics (formerly Invitae), Labcorp
Classification: Uncertain significance for Hereditary breast ovarian cancer syndrome. Last evaluated: 2025-01-12. Review status: criteria provided, single submitter. Criteria: Invitae Variant Classification Sherloc (09022015). Collection method: clinical testing. Allele origin: germline.
Comment: This sequence change replaces glycine, which is neutral and non-polar, with valine, which is neutral and non-polar, at codon 1224 of the BRCA2 protein (p.Gly1224Val). This variant is not present in population databases (gnomAD no frequency). This variant has not been reported in the literature in individuals affected with BRCA2-related conditions. ClinVar contains an entry for this variant (Variation ID: 142720). Invitae Evidence Modeling of protein sequence and biophysical properties (such as structural, functional, and spatial information, amino acid conservation, physicochemical variation, residue mobility, and thermodynamic stability) indicates that this missense variant is not expected to disrupt BRCA2 protein function with a negative predictive value of 95%. In summary, the available evidence is currently insufficient to determine the role of this variant in disease. Therefore, it has been classified as a Variant of Uncertain Significance.

University of Washington Department of Laboratory Medicine, University of Washington
Classification: Likely benign for Hereditary cancer-predisposing syndrome. Last evaluated: 2023-03-23. Review status: criteria provided, single submitter. Criteria: Dines et al. (Genet Med. 2020). Collection method: curation. Allele origin: germline.
Comment: Missense variant in a coldspot region where missense variants are very unlikely to be pathogenic (PMID:31911673).

BRCA2 exon 11 coldspot. Reclassification based on statistical prior probability.

Color Diagnostics, LLC DBA Color Health
Classification: Uncertain significance for Hereditary cancer-predisposing syndrome. Last evaluated: 2019-04-19. Review status: criteria provided, single submitter. Criteria: ACMG Guidelines, 2015. Collection method: clinical testing. Allele origin: germline.

Quest Diagnostics Nichols Institute San Juan Capistrano
Classification: Uncertain significance. Last evaluated: 2019-03-22. Review status: criteria provided, single submitter. Criteria: Quest Diagnostics criteria. Collection method: clinical testing. Allele origin: germline.

Literature cited by the submitters: PubMed 32444794 (cited by Ambry Genetics).